The following is an entry in ClinVar:

NM_000334.4(SCN4A):c.3535G>A (p.Val1179Ile)

Genes: GH-LCR (growth hormone locus control region; plus strand), SCN4A (sodium voltage-gated channel alpha subunit 4; minus strand). Cytogenetic location: 17q23.3.
Variant type: single nucleotide variant.
Coding change: c.3535G>A on transcript NM_000334.4 (MANE Select); coding-DNA position 3535, G replaced by A.
Protein change: p.Val1179Ile; replaces valine 1179 with isoleucine.
Molecular consequence: missense variant.
Genome position (GRCh38, 1-based): chr17:63,945,545, C>T on the plus strand (G>A on the coding strand, the complement: SCN4A is on the minus strand). VCF-style: chr17-63945545-C-T. GRCh37 (hg19) VCF-style: chr17-62022905-C-T.
Other names: short protein forms V1179I.
Identifiers: ClinVar variation 2800024 (VCV002800024.3), dbSNP rs1190836399, ClinGen allele CA400618201.

ClinVar aggregate classification (germline): Uncertain significance (1 of 4 stars; one submission).

Conditions:
Hyperkalemic periodic paralysis. Also called: Familial hyperkalemic periodic paralysis; Gamstorp disease. Identifiers: Orphanet 682, MedGen C0238357, MONDO:0008224, OMIM 170500, HP:0007215.

Allele frequency attached by ClinVar (database versions not stated): gnomAD 0.00001; gnomAD exomes 0.00001; TOPMed 0.00001.
gnomAD v4.1: 17 of 1,613,880 alleles (0.0011%); highest among the groups gnomAD compares: Non-Finnish European, 0.0014%; no homozygotes.

Submission:

Labcorp Genetics (formerly Invitae), Labcorp
Classification: Uncertain significance for Hyperkalemic periodic paralysis. Last evaluated: 2023-03-13. Review status: criteria provided, single submitter. Criteria: Invitae Variant Classification Sherloc (09022015). Collection method: clinical testing. Allele origin: germline.
Comment: This variant has not been reported in the literature in individuals affected with SCN4A-related conditions. This sequence change replaces valine, which is neutral and non-polar, with isoleucine, which is neutral and non-polar, at codon 1179 of the SCN4A protein (p.Val1179Ile). This variant is not present in population databases (gnomAD no frequency). Advanced modeling of protein sequence and biophysical properties (such as structural, functional, and spatial information, amino acid conservation, physicochemical variation, residue mobility, and thermodynamic stability) has been performed at Invitae for this missense variant, however the output from this modeling did not meet the statistical confidence thresholds required to predict the impact of this variant on SCN4A protein function. In summary, the available evidence is currently insufficient to determine the role of this variant in disease. Therefore, it has been classified as a Variant of Uncertain Significance.